The following is an entry in ClinVar:

ClinVar aggregate classification (germline): Uncertain significance (1 of 4 stars; one submission).

Submission:

Labcorp Genetics (formerly Invitae), Labcorp
Classification: Uncertain significance. Last evaluated: 2020-12-08. Review status: criteria provided, single submitter. Criteria: Invitae Variant Classification Sherloc (09022015). Collection method: clinical testing. Allele origin: germline.
Comment: This sequence change replaces alanine with threonine at codon 185 of the CNGB1 protein (p.Ala185Thr). The alanine residue is weakly conserved and there is a small physicochemical difference between alanine and threonine. This variant is not present in population databases (ExAC no frequency). In summary, the available evidence is currently insufficient to determine the role of this variant in disease. Therefore, it has been classified as a Variant of Uncertain Significance. Advanced modeling of protein sequence and biophysical properties (such as structural, functional, and spatial information, amino acid conservation, physicochemical variation, residue mobility, and thermodynamic stability) performed at Invitae indicates that this missense variant is not expected to disrupt CNGB1 protein function. This variant has not been reported in the literature in individuals with CNGB1-related conditions.

NM_001297.5(CNGB1):c.553G>A (p.Ala185Thr)

Gene: CNGB1 (cyclic nucleotide gated channel subunit beta 1; minus strand). Cytogenetic location: 16q21.
Variant type: single nucleotide variant.
Coding change: c.553G>A on transcript NM_001297.5 (MANE Select); coding-DNA position 553, G replaced by A.
Protein change: p.Ala185Thr; replaces alanine 185 with threonine.
Molecular consequence: missense variant.
Genome position (GRCh38, 1-based): chr16:57,960,512, C>T on the plus strand (G>A on the coding strand, the complement: CNGB1 is on the minus strand). VCF-style: chr16-57960512-C-T. GRCh37 (hg19) VCF-style: chr16-57994416-C-T.
Other names: c.553G>A, p.Ala185Thr (NM_001135639.2, NM_001286130.2); short protein forms A185T.
Identifiers: ClinVar variation 1520792 (VCV001520792.8), dbSNP rs2149386811, ClinGen allele CA396078117.